The following is an entry in ClinVar:

ClinVar aggregate classification (germline): Uncertain significance (1 of 4 stars; one submission).

Conditions:
Autosomal recessive ataxia, Beauce type. Also called: SYNE1-Related Autosomal Recessive Cerebellar Ataxia; Spinocerebellar ataxia, autosomal recessive 8; ATAXIA, RECESSIVE, OF BEAUCE; SYNE1 Deficiency. Identifiers: Orphanet 88644, MedGen C1853116, MONDO:0012549, OMIM 610743.
Emery-Dreifuss muscular dystrophy 4, autosomal dominant (EDMD4). Also called: EMERY-DREIFUSS MUSCULAR DYSTROPHY 4 WITH VARIABLE FEATURES. Identifiers: Orphanet 261, MedGen C2751807, MONDO:0013071, OMIM 612998.

Submission:

Labcorp Genetics (formerly Invitae), Labcorp
Classification: Uncertain significance for Emery-Dreifuss muscular dystrophy 4, autosomal dominant; Autosomal recessive ataxia, Beauce type. Last evaluated: 2021-12-19. Review status: criteria provided, single submitter. Criteria: Invitae Variant Classification Sherloc (09022015). Collection method: clinical testing. Allele origin: germline.
Comment: This sequence change falls in intron 142 of the SYNE1 gene. It does not directly change the encoded amino acid sequence of the SYNE1 protein. It affects a nucleotide within the consensus splice site. This variant is not present in population databases (gnomAD no frequency). This variant has not been reported in the literature in individuals affected with SYNE1-related conditions. Variants that disrupt the consensus splice site are a relatively common cause of aberrant splicing (PMID: 17576681, 9536098). Algorithms developed to predict the effect of sequence changes on RNA splicing suggest that this variant may create or strengthen a splice site. In summary, the available evidence is currently insufficient to determine the role of this variant in disease. Therefore, it has been classified as a Variant of Uncertain Significance.

Literature cited by the submitters: PubMed 17576681; PubMed 9536098.

NM_182961.4(SYNE1):c.25788+6A>G

Gene: SYNE1 (spectrin repeat containing nuclear envelope protein 1; minus strand). Cytogenetic location: 6q25.2.
Variant type: single nucleotide variant.
Coding change: c.25788+6A>G on transcript NM_182961.4 (MANE Select); 6 bases into the intron after coding-DNA position 25788, A replaced by G.
Molecular consequence: intron variant.
Genome position (GRCh38, 1-based): chr6:152,135,098, T>C on the plus strand (A>G on the coding strand, the complement: SYNE1 is on the minus strand). VCF-style: chr6-152135098-T-C. GRCh37 (hg19) VCF-style: chr6-152456233-T-C.
Other names: c.25644+6A>G (NM_033071.5); c.2394+6A>G (NM_001347701.2); c.2322+6A>G (NM_001347702.2).
Identifiers: ClinVar variation 2146824 (VCV002146824.4), dbSNP rs2549515819, ClinGen allele CA2580075203.